The following is an entry in ClinVar:

ClinVar aggregate classification (germline): Uncertain significance (1 of 4 stars; one submission).

Conditions:
Compton-North congenital myopathy (CMYO12). Identifiers: Orphanet 210163, MedGen C2675527, MONDO:0012929, OMIM 612540.

Submission:

Labcorp Genetics (formerly Invitae), Labcorp
Classification: Uncertain significance for Compton-North congenital myopathy. Last evaluated: 2020-06-08. Review status: criteria provided, single submitter. Criteria: Invitae Variant Classification Sherloc (09022015). Collection method: clinical testing. Allele origin: germline.
Comment: In summary, the available evidence is currently insufficient to determine the role of this variant in disease. Therefore, it has been classified as a Variant of Uncertain Significance. Algorithms developed to predict the effect of sequence changes on RNA splicing suggest that this variant may disrupt the consensus splice site, but this prediction has not been confirmed by published transcriptional studies. This variant has not been reported in the literature in individuals with CNTN1-related conditions. This variant is not present in population databases (ExAC no frequency). This sequence change falls in intron 6 of the CNTN1 gene. It does not directly change the encoded amino acid sequence of the CNTN1 protein.

NM_001843.4(CNTN1):c.497-7C>A

Gene: CNTN1 (contactin 1; plus strand). Cytogenetic location: 12q12.
Variant type: single nucleotide variant.
Coding change: c.497-7C>A on transcript NM_001843.4 (MANE Select); 7 bases into the intron before coding-DNA position 497, C replaced by A.
Molecular consequence: intron variant.
Genome position (GRCh38, 1-based): chr12:40,929,789, C>A. VCF-style: chr12-40929789-C-A. GRCh37 (hg19) VCF-style: chr12-41323591-C-A.
Other names: c.497-7C>A (NM_001256063.2, NM_001256064.2); c.464-7C>A (NM_175038.2).
Identifiers: ClinVar variation 1063315 (VCV001063315.9), dbSNP rs2136906588, ClinGen allele CA2499221630.